The following is an entry in ClinVar:

NM_139027.6(ADAMTS13):c.725G>A (p.Cys242Tyr)

Gene: ADAMTS13 (ADAM metallopeptidase with thrombospondin type 1 motif 13; plus strand). Cytogenetic location: 9q34.2.
Variant type: single nucleotide variant.
Coding change: c.725G>A on transcript NM_139027.6 (MANE Select); coding-DNA position 725, G replaced by A.
Protein change: p.Cys242Tyr; replaces cysteine 242 with tyrosine.
Molecular consequence: missense variant.
Genome position (GRCh38, 1-based): chr9:133,428,672, G>A. VCF-style: chr9-133428672-G-A. GRCh37 (hg19) VCF-style: chr9-136293792-G-A.
Other names: c.725G>A, p.Cys242Tyr (NM_139025.5, NM_139026.6); short protein forms C242Y.
Identifiers: ClinVar variation 3254625 (VCV003254625.3), dbSNP rs2491101006.

ClinVar aggregate classification (germline): Conflicting classifications of pathogenicity. Review status: criteria provided, conflicting classifications (1 of 4 stars). 2 submissions from 2 submitters: Likely pathogenic (1); Uncertain significance (1). Last evaluated 2024-10-08.

Conditions:
Upshaw-Schulman syndrome (TTP). Also called: THROMBOTIC THROMBOCYTOPENIC PURPURA, HEREDITARY; Congenital thrombotic thrombocytopenic purpura. Identifiers: Orphanet 93583, MedGen C1268935, MONDO:0010122, OMIM 274150.

Allele frequency attached by ClinVar (database versions not stated): gnomAD exomes below 0.00001.
gnomAD v4.1: 1 of 1,360,596 alleles (0.000073%); highest among the groups gnomAD compares: Non-Finnish European, 0.000095%; no homozygotes.

Submissions (2):

Victorian Clinical Genetics Services, Murdoch Childrens Research Institute
Classification: Likely pathogenic for Upshaw-Schulman syndrome. Last evaluated: 2024-10-08. Review status: criteria provided, single submitter. Criteria: ACMG Guidelines, 2015. Collection method: clinical testing. Allele origin: germline. Inheritance: Autosomal recessive inheritance. Affected: yes.
Comment: Based on the classification scheme VCGS_Germline_v1.3.4, this variant is classified as Likely pathogenic. Following criteria are met: 0102 - Loss of function is a known mechanism of disease in this gene and is associated with thrombotic thrombocytopenic purpura, hereditary (MIM#274150). (I) 0106 - This gene is associated with autosomal recessive disease. (I) 0200 - Variant is predicted to result in a missense amino acid change from cysteine to tyrosine. (I) 0251 - This variant is heterozygous. (I) 0301 - Variant is absent from gnomAD (both v2 and v3). (SP) 0501 - Missense variant consistently predicted to be damaging by multiple in silico tools or highly conserved with a major amino acid change. (SP) 0600 - Variant is located in the annotated Reprolysin (M12B) family zinc metalloprotease domain (DECIPHER). (I) 0705 - No comparable missense variants have previous evidence for pathogenicity. (I) 0807 - This variant has no previous evidence of pathogenicity. (I) 0905 - No published segregation evidence has been identified for this variant. (I) 1007 - No published functional evidence has been identified for this variant. (I) 1101 - Very strong and specific phenotype match for this individual. (SP) 1201 - Heterozygous variant detected in trans with a second pathogenic heterozygous variant (c.3178C>T; p.(Arg1060Trp)) in a recessive disease. (I) Legend: (SP) - Supporting pathogenic, (I) - Information, (SB) - Supporting benign

Fulgent Genetics
Classification: Uncertain significance for Upshaw-Schulman syndrome. Last evaluated: 2024-02-20. Review status: criteria provided, single submitter. Criteria: ACMG Guidelines, 2015. Collection method: clinical testing. Allele origin: germline.